The following is an entry in ClinVar:

NM_016204.4(GDF2):c.458A>G (p.Tyr153Cys)

Gene: GDF2 (growth differentiation factor 2; plus strand). Cytogenetic location: 10q11.22.
Variant type: single nucleotide variant.
Coding change: c.458A>G on transcript NM_016204.4 (MANE Select); coding-DNA position 458, A replaced by G.
Protein change: p.Tyr153Cys; replaces tyrosine 153 with cysteine.
Molecular consequence: missense variant.
Genome position (GRCh38, 1-based): chr10:47,324,952, A>G. VCF-style: chr10-47324952-A-G. GRCh37 (hg19) VCF-style: chr10-48414410-T-C.
Other names: short protein forms Y153C.
Identifiers: ClinVar variation 4805890 (VCV004805890.1).

ClinVar aggregate classification (germline): Uncertain significance (1 of 4 stars; one submission).

Conditions:
Telangiectasia, hereditary hemorrhagic, type 5 (HHT5). Identifiers: Orphanet 774, MedGen C3809710, MONDO:0014217, OMIM 615506.

Submission:

Labcorp Genetics (formerly Invitae), Labcorp
Classification: Uncertain significance for Telangiectasia, hereditary hemorrhagic, type 5. Last evaluated: 2026-01-12. Review status: criteria provided, single submitter. Criteria: Invitae Variant Classification Sherloc (09022015). Collection method: clinical testing. Allele origin: germline.
Comment: This sequence change replaces tyrosine, which is neutral and polar, with cysteine, which is neutral and slightly polar, at codon 153 of the GDF2 protein (p.Tyr153Cys). This variant is present in population databases (no rsID available, gnomAD 0.006%). This variant has not been reported in the literature in individuals affected with GDF2-related conditions. Invitae Evidence Modeling of protein sequence and biophysical properties (such as structural, functional, and spatial information, amino acid conservation, physicochemical variation, residue mobility, and thermodynamic stability) indicates that this missense variant is not expected to disrupt GDF2 protein function with a negative predictive value of 80%. In summary, the available evidence is currently insufficient to determine the role of this variant in disease. Therefore, it has been classified as a Variant of Uncertain Significance.